The following is an entry in ClinVar:

NM_017617.5(NOTCH1):c.6758C>T (p.Pro2253Leu)

Gene: NOTCH1 (notch receptor 1; minus strand). Cytogenetic location: 9q34.3.
Variant type: single nucleotide variant.
Coding change: c.6758C>T on transcript NM_017617.5 (MANE Select); coding-DNA position 6758, C replaced by T.
Protein change: p.Pro2253Leu; replaces proline 2253 with leucine.
Molecular consequence: missense variant.
Genome position (GRCh38, 1-based): chr9:136,496,981, G>A on the plus strand (C>T on the coding strand, the complement: NOTCH1 is on the minus strand). VCF-style: chr9-136496981-G-A. GRCh37 (hg19) VCF-style: chr9-139391433-G-A.
Other names: c.6758C>T, p.Pro2253Leu (LRG_1122t1); short protein forms P2253L.
Identifiers: ClinVar variation 561317 (VCV000561317.4), dbSNP rs1204397173, ClinGen allele CA375630365.

ClinVar aggregate classification (germline): Conflicting classifications of pathogenicity. Review status: criteria provided, conflicting classifications (1 of 4 stars). 2 submissions from 2 submitters: Uncertain significance (1); Likely benign (1). Last evaluated 2025-09-21.

Conditions:
Connective tissue disorder. Also called: Connective tissue disease. Identifiers: MedGen C0009782, MONDO:0003900.
Adams-Oliver syndrome 5 (AOS5). Identifiers: Orphanet 974, MedGen C4014970, MONDO:0014459, OMIM 616028.

Allele frequency attached by ClinVar (database versions not stated): gnomAD exomes below 0.00001; TOPMed below 0.00001; gnomAD 0.00001.
gnomAD v4.1: 8 of 1,610,496 alleles (0.0005%); highest among the groups gnomAD compares: Non-Finnish European, 0.00068%; no homozygotes.

Submissions (2):

Labcorp Genetics (formerly Invitae), Labcorp
Classification: Uncertain significance for Adams-Oliver syndrome 5. Last evaluated: 2025-09-21. Review status: criteria provided, single submitter. Criteria: Invitae Variant Classification Sherloc (09022015). Collection method: clinical testing. Allele origin: germline.
Comment: This sequence change replaces proline, which is neutral and non-polar, with leucine, which is neutral and non-polar, at codon 2253 of the NOTCH1 protein (p.Pro2253Leu). This variant is not present in population databases (gnomAD no frequency). This variant has not been reported in the literature in individuals affected with NOTCH1-related conditions. ClinVar contains an entry for this variant (Variation ID: 561317). Invitae Evidence Modeling of protein sequence and biophysical properties (such as structural, functional, and spatial information, amino acid conservation, physicochemical variation, residue mobility, and thermodynamic stability) indicates that this missense variant is not expected to disrupt NOTCH1 protein function with a negative predictive value of 80%. In summary, the available evidence is currently insufficient to determine the role of this variant in disease. Therefore, it has been classified as a Variant of Uncertain Significance.

Center for Human Genetics, Inc
Classification: Likely benign for Connective tissue disorder. Last evaluated: 2018-06-01. Review status: criteria provided, single submitter. Criteria: ACMG Guidelines, 2015. Collection method: clinical testing. Allele origin: germline. Affected: yes.